The following is an entry in ClinVar:

NM_015295.3(SMCHD1):c.614T>A (p.Phe205Tyr)

Gene: SMCHD1 (structural maintenance of chromosomes flexible hinge domain containing 1; plus strand). Cytogenetic location: 18p11.32.
Variant type: single nucleotide variant.
Coding change: c.614T>A on transcript NM_015295.3 (MANE Select); coding-DNA position 614, T replaced by A.
Protein change: p.Phe205Tyr; replaces phenylalanine 205 with tyrosine.
Molecular consequence: missense variant.
Genome position (GRCh38, 1-based): chr18:2,674,121, T>A. VCF-style: chr18-2674121-T-A. GRCh37 (hg19) VCF-style: chr18-2674120-T-A.
Other names: short protein forms F205Y.
Identifiers: ClinVar variation 1949287 (VCV001949287.5), dbSNP rs2509973913, ClinGen allele CA401690285.
Genomic context (GRCh38, chr18:2,674,121, plus strand): 5'-ATGGAAGAGGAATGACCTCTAAACAGCTTAACAACTGGGCCGTGTATAGGTTGTCAAAAT[T>A]CACAAGGCAAGGTGACTTTGAAAGGTTAGAAAACCTTACTTTTTTTTTTTTGTGGGTAGC-3'
Protein context (NP_056110.2, residues 195-215): NNWAVYRLSK[Phe205Tyr]TRQGDFESDH

ClinVar aggregate classification (germline): Uncertain significance (1 of 4 stars; one submission).

Conditions:
Facioscapulohumeral muscular dystrophy 2 (FSHD2). Also called: MUSCULAR DYSTROPHY, FACIOSCAPULOHUMERAL, TYPE 1B; FACIOSCAPULOHUMERAL MUSCULAR DYSTROPHY 2, DIGENIC; FSHD2, DIGENIC. Identifiers: Orphanet 269, MedGen C1834671, MONDO:0008031, OMIM 158901.

Submission:

Labcorp Genetics (formerly Invitae), Labcorp
Classification: Uncertain significance for Facioscapulohumeral muscular dystrophy 2. Last evaluated: 2023-10-03. Review status: criteria provided, single submitter. Criteria: Invitae Variant Classification Sherloc (09022015). Collection method: clinical testing. Allele origin: germline.
Comment: This sequence change replaces phenylalanine, which is neutral and non-polar, with tyrosine, which is neutral and polar, at codon 205 of the SMCHD1 protein (p.Phe205Tyr). This variant is not present in population databases (gnomAD no frequency). This variant has not been reported in the literature in individuals affected with SMCHD1-related conditions. ClinVar contains an entry for this variant (Variation ID: 1949287). Advanced modeling of protein sequence and biophysical properties (such as structural, functional, and spatial information, amino acid conservation, physicochemical variation, residue mobility, and thermodynamic stability) performed at Invitae indicates that this missense variant is expected to disrupt SMCHD1 protein function. In summary, the available evidence is currently insufficient to determine the role of this variant in disease. Therefore, it has been classified as a Variant of Uncertain Significance.